The following is an entry in ClinVar:

ClinVar aggregate classification (germline): Uncertain significance. Review status: criteria provided, multiple submitters, no conflicts (2 of 4 stars). 2 submissions from 2 submitters: Uncertain significance (2). Last evaluated 2024-10-16.

Conditions:
Inborn genetic diseases. Identifiers: MedGen C0950123, MeSH D030342.

gnomAD v4.1: 8 of 1,508,716 alleles (0.00053%); highest among the groups gnomAD compares: Non-Finnish European, 0.0007%; no homozygotes.

Submissions (2):

Ambry Genetics
Classification: Uncertain significance for Inborn genetic diseases. Last evaluated: 2024-10-16. Review status: criteria provided, single submitter. Criteria: Ambry Variant Classification Scheme 2023. Collection method: clinical testing. Allele origin: germline.

Labcorp Genetics (formerly Invitae), Labcorp
Classification: Uncertain significance. Last evaluated: 2022-02-18. Review status: criteria provided, single submitter. Criteria: Invitae Variant Classification Sherloc (09022015). Collection method: clinical testing. Allele origin: germline.
Comment: This sequence change replaces aspartic acid, which is acidic and polar, with glutamic acid, which is acidic and polar, at codon 43 of the GFER protein (p.Asp43Glu). This variant is present in population databases (no rsID available, gnomAD 0.003%). This variant has not been reported in the literature in individuals affected with GFER-related conditions. Algorithms developed to predict the effect of missense changes on protein structure and function output the following: SIFT: "Tolerated"; PolyPhen-2: "Benign"; Align-GVGD: "Class C0". The glutamic acid amino acid residue is found in multiple mammalian species, which suggests that this missense change does not adversely affect protein function. In summary, the available evidence is currently insufficient to determine the role of this variant in disease. Therefore, it has been classified as a Variant of Uncertain Significance.

NM_005262.3(GFER):c.129C>A (p.Asp43Glu)

Genes: GFER (growth factor, augmenter of liver regeneration; plus strand), LOC130058203 (ATAC-STARR-seq lymphoblastoid silent region 7014; plus strand). Cytogenetic location: 16p13.3.
Variant type: single nucleotide variant.
Coding change: c.129C>A on transcript NM_005262.3 (MANE Select); coding-DNA position 129, C replaced by A.
Protein change: p.Asp43Glu; replaces aspartic acid 43 with glutamic acid.
Molecular consequence: missense variant.
Genome position (GRCh38, 1-based): chr16:1,984,347, C>A. VCF-style: chr16-1984347-C-A. GRCh37 (hg19) VCF-style: chr16-2034348-C-A.
Other names: c.129C>A (NM_005262.2); short protein forms D43E.
Identifiers: ClinVar variation 1930551 (VCV001930551.3), dbSNP rs1016725284, ClinGen allele CA394300844.